The following is an entry in ClinVar:

NM_000268.4(NF2):c.641T>C (p.Leu214Pro)

Gene: NF2 (NF2, moesin-ezrin-radixin like (MERLIN) tumor suppressor; plus strand). Cytogenetic location: 22q12.2.
Variant type: single nucleotide variant.
Coding change: c.641T>C on transcript NM_000268.4 (MANE Select); coding-DNA position 641, T replaced by C.
Protein change: p.Leu214Pro; replaces leucine 214 with proline.
Molecular consequence: missense variant. On other transcripts: non-coding transcript variant (1), intron variant (1).
Genome position (GRCh38, 1-based): chr22:29,658,230, T>C. VCF-style: chr22-29658230-T-C. GRCh37 (hg19) VCF-style: chr22-30054219-T-C.
Other names: c.641T>C, p.Leu214Pro (NM_016418.5, NM_181825.3, NM_181832.3); c.515T>C, p.Leu172Pro (NM_181828.3); c.518T>C, p.Leu173Pro (NM_181829.3); c.392T>C, p.Leu131Pro (NM_181830.3, NM_181831.3); c.447+15945T>C (NM_181833.3); short protein forms L172P, L173P, L131P, L214P.
Identifiers: ClinVar variation 695095 (VCV000695095.15), dbSNP rs1601618585, ClinGen allele CA411143060.
Genomic context (GRCh38, chr22:29,658,230, plus strand): 5'-TCTTCCGTTCTCCCCACAGGGATGAAGCTGAAATGGAATATCTGAAGATAGCTCAGGACC[T>C]GGAGATGTACGGTGTGAACTACTTTGCAATCCGGGTGTGTTGAAACCTCTCTGAGCTCCT-3'
Protein context (NP_000259.1, residues 204-224): EMEYLKIAQD[Leu214Pro]EMYGVNYFAI

ClinVar aggregate classification (germline): Conflicting classifications of pathogenicity. Review status: criteria provided, conflicting classifications (1 of 4 stars). 3 submissions from 3 submitters: Likely pathogenic (1); Uncertain significance (2). Last evaluated 2021-11-07.

Conditions:
Neurofibromatosis, type 2 (SWNV). Also called: SCHWANNOMATOSIS, VESTIBULAR; BILATERAL ACOUSTIC NEUROFIBROMATOSIS; NF2-Related Schwannomatosis. Identifiers: Orphanet 637, MedGen C0027832, MONDO:0007039, OMIM 101000. Disease mechanism: loss of function.

Submissions (3):

Genome-Nilou Lab
Classification: Uncertain significance for Neurofibromatosis, type 2. Last evaluated: 2021-11-07. Review status: criteria provided, single submitter. Criteria: ACMG Guidelines, 2015. Collection method: clinical testing. Allele origin: germline. Affected: no.

Labcorp Genetics (formerly Invitae), Labcorp
Classification: Uncertain significance for Neurofibromatosis, type 2. Last evaluated: 2019-12-03. Review status: criteria provided, single submitter. Criteria: Invitae Variant Classification Sherloc (09022015). Collection method: clinical testing. Allele origin: germline.
Comment: In summary, the available evidence is currently insufficient to determine the role of this variant in disease. Therefore, it has been classified as a Variant of Uncertain Significance. Algorithms developed to predict the effect of missense changes on protein structure and function are either unavailable or do not agree on the potential impact of this missense change (SIFT: "Deleterious"; PolyPhen-2: "Probably Damaging"; Align-GVGD: "Class C0"). This variant has not been reported in the literature in individuals with NF2-related conditions. This variant is not present in population databases (ExAC no frequency). This sequence change replaces leucine with proline at codon 214 of the NF2 protein (p.Leu214Pro). The leucine residue is highly conserved and there is a moderate physicochemical difference between leucine and proline.

Swedish Neurofibromatosis Center, Swedish Medical Center
Classification: Likely pathogenic for Neurofibromatosis, type 2. Last evaluated: 2019-10-18. Review status: criteria provided, single submitter. Criteria: ACMG Guidelines, 2015. Collection method: clinical testing. Allele origin: unknown. Inheritance: Autosomal dominant inheritance. Affected: yes.
Comment: PP4 b. Assumed de novo. PM6 VARSOME: a. Functional domain. PM1 b. Absent in population. PM2 c. Pathogenic in silico. PP3